The following is an entry in ClinVar:

NM_001267550.2(TTN):c.9470A>G (p.Gln3157Arg)

Gene: TTN (titin; minus strand). Cytogenetic location: 2q31.2.
Variant type: single nucleotide variant.
Coding change: c.9470A>G on transcript NM_001267550.2 (MANE Select); coding-DNA position 9470, A replaced by G.
Protein change: p.Gln3157Arg; replaces glutamine 3157 with arginine.
Molecular consequence: missense variant.
Genome position (GRCh38, 1-based): chr2:178,767,760, T>C on the plus strand (A>G on the coding strand, the complement: TTN is on the minus strand). VCF-style: chr2-178767760-T-C. GRCh37 (hg19) VCF-style: chr2-179632487-T-C.
Other names: c.9470A>G, p.Gln3157Arg (NM_001256850.1, NM_133378.4, NM_133379.5); c.9332A>G, p.Gln3111Arg (NM_003319.4, NM_133432.3, NM_133437.4); short protein forms Q3111R, Q3157R.
Identifiers: ClinVar variation 4540334 (VCV004540334.1).

ClinVar aggregate classification (germline): Uncertain significance (1 of 4 stars; one submission).

gnomAD v4.1: 3 of 1,613,972 alleles (0.00019%); highest among the groups gnomAD compares: South Asian, 0.0011%; no homozygotes.

Submission:

GeneDx
Classification: Uncertain significance. Last evaluated: 2025-06-24. Review status: criteria provided, single submitter. Criteria: GeneDx Variant Classification Process June 2021. Collection method: clinical testing. Allele origin: germline. Affected: yes.
Comment: Not observed at significant frequency in large population cohorts (gnomAD); In silico analysis supports that this missense variant has a deleterious effect on protein structure/function; Has not been previously published as pathogenic or benign to our knowledge